The following continues an entry in ClinVar:

NM_020822.3(KCNT1):c.1283G>A (p.Arg428Gln)

Gene: KCNT1. ClinVar aggregate classification (germline): Pathogenic. Pathogenic (15).

Submissions 11 to 17 of 17:

New York Genome Center
Classification: Pathogenic for Developmental and epileptic encephalopathy, 14. Last evaluated: 2020-09-19. Review status: criteria provided, single submitter. Criteria: NYGC Assertion Criteria 2020. Collection method: clinical testing. Allele origin: germline. Observed: 1 heterozygote, 1 mosaic individual. Study: CSER-NYCKidSeq.
Comment: The heterozygous c.1283G>A (p.Arg428Gln) variant identified in the KCNT1 gene substitutes a well conserved Arginine for Glutamine at amino acid 428/1236 (coding exon 13/31). This variant is absent from gnomAD(v3.0) suggesting it is not a common benign variant in the populations represented in that database. In silico algorithms predict this variant to be Deleterious (Provean; score:-3.81) and Damaging (SIFT; score:0.003) tothe function of the canonical transcript. This variant is reported as Pathogenic in ClinVar (VarID:39593), and has been reported in many affected individuals in the literature [PMID:31872048, 23086397,31653631, 31208268, 30234941, others]. Functional studies suggest this variant leads to constitutive activation of the of the potassium channel [PMID:23086397, 24591078]. Given its absence in population databases, in silico predictions of a damaging effect, functional studies supporting pathogenicity, and its observation in many affected individuals in the literature, the c.1283G>A (p.Arg428Gln) variant identified in the KCNT1 gene is reported as Pathogenic.

Cytogénomique, Hospices Civils de Lyon
Classification: Pathogenic for Developmental and epileptic encephalopathy, 14. Last evaluated: 2018-05-29. Review status: criteria provided, single submitter. Criteria: ACMG Guidelines, 2015. Collection method: clinical testing. Allele origin: de novo. Inheritance: Autosomal dominant inheritance. Affected: yes.

Institute of Human Genetics Munich, TUM University Hospital
Classification: Pathogenic for Developmental and epileptic encephalopathy, 14. Last evaluated: 2018-04-03. Review status: criteria provided, single submitter. Criteria: Classification criteria August 2017. Collection method: clinical testing. Allele origin: de novo. Inheritance: Autosomal dominant inheritance. Affected: yes. Observed: 1 heterozygote.

Eurofins Ntd Llc (ga)
Classification: Pathogenic. Last evaluated: 2017-10-30. Review status: criteria provided, single submitter. Criteria: EGL Classification Definitions 2015. Collection method: clinical testing. Allele origin: germline. Observed: 2 variant alleles, 2 heterozygotes.

Genetic Services Laboratory, University of Chicago
Classification: Pathogenic for Epilepsy, nocturnal frontal lobe, 5. Last evaluated: 2013-12-12. Review status: criteria provided, single submitter. Criteria: ACMG Guidelines, 2007. Collection method: clinical testing. Allele origin: germline. Inheritance: Autosomal dominant inheritance. Affected: yes.

Genetics and Genomic Medicine Centre, NeuroGen Healthcare, NeuroGen Healthcare
Classification: Pathogenic. Last evaluated: 2021-01-20. Review status: no assertion criteria provided. Collection method: clinical testing. Allele origin: unknown. Affected: yes. Not counted in ClinVar's aggregate classification.

OMIM
Classification: Pathogenic for DEVELOPMENTAL AND EPILEPTIC ENCEPHALOPATHY 14. Last evaluated: 2012-11-01. Review status: no assertion criteria provided. Collection method: literature only. Allele origin: germline. Not counted in ClinVar's aggregate classification.

Literature cited by the submitters: PubMed 23086397 (cited by 6 submitters); PubMed 25042079 (cited by Labcorp Genetics (formerly Invitae), Labcorp and Victorian Clinical Genetics Services, Murdoch Childrens Research Institute); PubMed 26140313 (cited by Labcorp Genetics (formerly Invitae), Labcorp and Dasa); PubMed 27779742 (cited by Labcorp Genetics (formerly Invitae), Labcorp); PubMed 24591078 (cited by Labcorp Genetics (formerly Invitae), Labcorp and Dasa); PubMed 29196579 (cited by Dasa); PubMed 30804880 (cited by Dasa); PubMed 26740507 (cited by Victorian Clinical Genetics Services, Murdoch Childrens Research Institute).